The following is an entry in ClinVar:

NM_001369.3(DNAH5):c.10616G>A (p.Arg3539His)

Gene: DNAH5 (dynein axonemal heavy chain 5; minus strand). Cytogenetic location: 5p15.2.
Variant type: single nucleotide variant.
Coding change: c.10616G>A on transcript NM_001369.3 (MANE Select); coding-DNA position 10616, G replaced by A.
Protein change: p.Arg3539His; replaces arginine 3539 with histidine.
Molecular consequence: missense variant.
Genome position (GRCh38, 1-based): chr5:13,753,489, C>T on the plus strand (G>A on the coding strand, the complement: DNAH5 is on the minus strand). VCF-style: chr5-13753489-C-T. GRCh37 (hg19) VCF-style: chr5-13753598-C-T.
Other names: short protein forms R3539H.
Identifiers: ClinVar variation 216542 (VCV000216542.26), dbSNP rs769458738, ClinGen allele CA337718.

ClinVar aggregate classification (germline): Pathogenic/Likely pathogenic. Review status: criteria provided, multiple submitters, no conflicts (2 of 4 stars). 9 submissions from 9 submitters: Pathogenic (6); Likely pathogenic (3). Last evaluated 2026-07-20.

Conditions:
DNAH5-related disorder. Also called: DNAH5-related condition.
DNAH5-related disorders.
Primary ciliary dyskinesia. Also called: Ciliary dyskinesia. Identifiers: Orphanet 244, MedGen C0008780, MONDO:0016575, HP:0012265.
Primary ciliary dyskinesia 3. Identifiers: Orphanet 244, MedGen C1837618, MONDO:0012085, OMIM 608644.

Allele frequency attached by ClinVar (database versions not stated): ExAC 0.00002; gnomAD exomes 0.00002; TOPMed 0.00002; gnomAD 0.00005 and 0.00006.
gnomAD v4.1: 40 of 1,613,814 alleles (0.0025%); highest among the groups gnomAD compares: Middle Eastern, 0.016%; no homozygotes.

Submissions (9):

PreventionGenetics, part of Exact Sciences
Classification: Likely pathogenic for DNAH5-related condition. Last evaluated: 2026-07-20. Review status: criteria provided, single submitter. Criteria: ACMG Guidelines, 2015. Collection method: clinical testing. Allele origin: germline.
Comment: The DNAH5 c.10616G>A variant is predicted to result in the amino acid substitution p.Arg3539His. This variant has been reported in the compound heterozygous state with a pathogenic variant in a patient with primary ciliary dyskinesia (Djakow et al. 2012. PubMed ID: 22416021). This variant was also found in several additional patients with PCD along with a second rare variant in DNAH5 (Kim et al. 2014. PubMed ID: 24498942; Supplemental Table 8, Nakhleh et al. 2012. PubMed ID: 22499950; Raidt et al. 2015. PubMed ID: 26373788). In addition, a different substitution affecting the same amino acid (p.Arg3539Cys) has been reported to be causative for PCD (Failly et al. 2009. PubMed ID: 19357118; Zariwala et al. 2013. PubMed ID: 23891469; Jin et al. 2017. PubMed ID: 28991257). This variant is reported in 0.0078% of alleles in individuals of European (non-Finnish) descent in gnomAD. This variant is interpreted as likely pathogenic.

CeGaT Center for Human Genetics Tuebingen
Classification: Likely pathogenic. Last evaluated: 2025-12-01. Review status: criteria provided, single submitter. Criteria: CeGaT Center For Human Genetics Tuebingen Variant Classification Criteria Version 2. Collection method: clinical testing. Allele origin: germline. Affected: yes. Observed: 1 variant allele.
Comment: DNAH5: PM3:Strong, PM2, PM5

Natera, Inc.
Classification: Pathogenic for Primary ciliary dyskinesia. Last evaluated: 2025-10-21. Review status: criteria provided, single submitter. Criteria: Natera Variant Classification Schema (03/2026). Collection method: clinical testing. Allele origin: germline.
Comment: The c.10616G>A variant in DNAH5 is a missense variant predicted to cause substitution of arginine to histidine at amino acid 3539. This variant is rare in the general population with a frequency below the threshold expected for the associated phenotype(s). This variant has been observed in one or more individuals affected with the associated recessive disease, as either homozygous or compound heterozygous with a second variant (PMID: 33715250, 24498942, 22416021, 26373788, 32111882). A different variant at the same position has been determined to be Pathogenic or Likely Pathogenic. Computational prediction algorithms indicate this variant is likely to affect gene or protein function. Given the available evidence, this variant is classified as Pathogenic.

Labcorp Genetics (formerly Invitae), Labcorp
Classification: Pathogenic for Primary ciliary dyskinesia. Last evaluated: 2025-10-20. Review status: criteria provided, single submitter. Criteria: Invitae Variant Classification Sherloc (09022015). Collection method: clinical testing. Allele origin: germline.
Comment: This sequence change replaces arginine, which is basic and polar, with histidine, which is basic and polar, at codon 3539 of the DNAH5 protein (p.Arg3539His). This variant is present in population databases (rs769458738, gnomAD 0.008%). This missense change has been observed in individual(s) with primary ciliary dyskinesia (PCD) (PMID: 22416021, 22499950, 24498942, 26373788). In at least one individual the data is consistent with being in trans (on the opposite chromosome) from a pathogenic variant. ClinVar contains an entry for this variant (Variation ID: 216542). Invitae Evidence Modeling of protein sequence and biophysical properties (such as structural, functional, and spatial information, amino acid conservation, physicochemical variation, residue mobility, and thermodynamic stability) has been performed for this missense variant. However, the output from this modeling did not meet the statistical confidence thresholds required to predict the impact of this variant on DNAH5 protein function. For these reasons, this variant has been classified as Pathogenic.

GeneDx
Classification: Likely pathogenic. Last evaluated: 2024-12-13. Review status: criteria provided, single submitter. Criteria: GeneDx Variant Classification Process June 2021. Collection method: clinical testing. Allele origin: germline. Affected: yes.
Comment: In silico analysis supports that this missense variant has a deleterious effect on protein structure/function; This variant is associated with the following publications: (PMID: 31589614, 31980526, 24498942, 32111882, Corpus2022[Abstract], 38206729, 31638833, 26228299, 22499950, 26373788, 36864285, 38626355, 33715250, 22416021, Guo2022[casereport], 39174791)

Blueprint Genetics
Classification: Pathogenic for DNAH5-related disorders. Last evaluated: 2024-10-14. Review status: criteria provided, single submitter. Criteria: ACMG Guidelines, 2015. Collection method: clinical testing. Allele origin: germline. Affected: yes. Observed: 5 variant alleles.

Genomic Medicine Center of Excellence, King Faisal Specialist Hospital and Research Centre
Classification: Pathogenic for Primary ciliary dyskinesia 3. Last evaluated: 2024-09-22. Review status: criteria provided, single submitter. Criteria: ACMG Guidelines, 2015. Collection method: clinical testing. Allele origin: germline.

Fulgent Genetics
Classification: Pathogenic for Primary ciliary dyskinesia 3. Last evaluated: 2024-04-16. Review status: criteria provided, single submitter. Criteria: ACMG Guidelines, 2015. Collection method: clinical testing. Allele origin: germline.

Ambry Genetics
Classification: Pathogenic for Primary ciliary dyskinesia. Last evaluated: 2023-04-20. Review status: criteria provided, single submitter. Criteria: Ambry Variant Classification Scheme 2023. Collection method: clinical testing. Allele origin: germline.
Comment: The p.R3539H pathogenic mutation (also known as c.10616G>A), located in coding exon 63 of the DNAH5 gene, results from a G to A substitution at nucleotide position 10616. The arginine at codon 3539 is replaced by histidine, an amino acid with highly similar properties. This variant was detected in multiple unrelated individuals with primary ciliary dyskinesia who had a pathogenic mutation; phase was confirmed in trans in at least two individuals (Nakhleh N et al. Circulation, 2012 May;125:2232-42; Djakow J et al. Pediatr Pulmonol, 2012 Sep;47:864-75; Zariwala MA et al. Am J Hum Genet, 2013 Aug;93:336-45; Kim RH et al. Ann Am Thorac Soc, 2014 Mar;11:351-9; Raidt J et al. Hum Reprod, 2015 Dec;30:2871-80; Postema MC et al. Sci Rep, 2020 Feb;10:3677). This amino acid position is highly conserved in available vertebrate species. In addition, this alteration is predicted to be deleterious by in silico analysis. Based on the supporting evidence, this alteration is interpreted as a disease-causing mutation.

Literature cited by the submitters: PubMed 33715250 (cited by Natera, Inc. and Ambry Genetics); PubMed 24498942 (cited by 3 submitters); PubMed 22416021 (cited by 3 submitters); PubMed 26373788 (cited by 3 submitters); PubMed 32111882 (cited by Natera, Inc. and Ambry Genetics); PubMed 22499950 (cited by Labcorp Genetics (formerly Invitae), Labcorp and Ambry Genetics); PubMed 23891469 (cited by Ambry Genetics); PubMed 26228299 (cited by Ambry Genetics).